The following is an entry in ClinVar:

ClinVar aggregate classification (germline): Pathogenic (1 of 4 stars; one submission).

Conditions:
Ehlers-Danlos syndrome, dermatosparaxis type. Also called: EDS VIIC; Dermatosparaxis; Ehlers-Danlos syndrome, type VII, autosomal recessive. Identifiers: Orphanet 1901, MedGen C2700425, MONDO:0009161, OMIM 225410.

Submission:

Myriad Genetics, Inc.
Classification: Pathogenic for Ehlers-Danlos syndrome, dermatosparaxis type. Last evaluated: 2024-05-14. Review status: criteria provided, single submitter. Criteria: Myriad Autosomal Dominant, Autosomal Recessive and X-Linked Classification Criteria (2023). Collection method: clinical testing. Allele origin: unknown.
Comment: NM_014244.4(ADAMTS2):c.29_30ins13(L11Ifs*59) is expected to be pathogenic in the context of Ehlers-Danlos syndrome, ADAMTS2-related. This variant is predicted to lead to an abnormal or absent protein product due to the creation of a premature termination codon in ADAMTS2, a gene where loss-of-function variants are known to be pathogenic. Please note: this variant was assessed in the context of healthy population screening.

NM_014244.5(ADAMTS2):c.29_30insTATAAGAGACAGT (p.Leu11fs)

Gene: ADAMTS2 (ADAM metallopeptidase with thrombospondin type 1 motif 2; minus strand). Cytogenetic location: 5q35.3.
Variant type: Insertion.
Coding change: c.29_30insTATAAGAGACAGT on transcript NM_014244.5 (MANE Select); coding-DNA positions 29 to 30, TATAAGAGACAGT inserted.
Protein change: p.Leu11fs; shifts the reading frame from leucine 11.
Molecular consequence: frameshift variant.
Genome position: GRCh38 VCF-style: chr5-179345299-G-GACTGTCTCTTATA. GRCh37 (hg19) VCF-style: chr5-178772300-G-GACTGTCTCTTATA.
Other names: c.29_30insTATAAGAGACAGT, p.Leu11fs (NM_021599.4); short protein forms L11fs.
Identifiers: ClinVar variation 5011194 (VCV005011194.1).